The following is an entry in ClinVar:

NM_001163809.2(WDR81):c.4544C>T (p.Ala1515Val)

Gene: WDR81 (WD repeat domain 81; plus strand). Cytogenetic location: 17p13.3.
Variant type: single nucleotide variant.
Coding change: c.4544C>T on transcript NM_001163809.2 (MANE Select); coding-DNA position 4544, C replaced by T.
Protein change: p.Ala1515Val; replaces alanine 1515 with valine.
Molecular consequence: missense variant.
Genome position (GRCh38, 1-based): chr17:1,733,581, C>T. VCF-style: chr17-1733581-C-T. GRCh37 (hg19) VCF-style: chr17-1636875-C-T.
Other names: c.935C>T, p.Ala312Val (NM_001163673.2); c.863C>T, p.Ala288Val (NM_001163811.2); c.1391C>T, p.Ala464Val (NM_152348.4); short protein forms A464V, A1515V, A288V, A312V.
Identifiers: ClinVar variation 2277834 (VCV002277834.4), dbSNP rs537665939, ClinGen allele CA8273600.

ClinVar aggregate classification (germline): Uncertain significance. Review status: criteria provided, multiple submitters, no conflicts (2 of 4 stars). 2 submissions from 2 submitters: Uncertain significance (2). Last evaluated 2025-06-10.

Conditions:
Inborn genetic diseases. Identifiers: MedGen C0950123, MeSH D030342.

Allele frequency attached by ClinVar (database versions not stated): 1000 Genomes Project 30x 0.00016; gnomAD 0.00002; ExAC 0.00003; TOPMed 0.00005; 1000 Genomes Project 0.00020.
gnomAD v4.1: 17 of 1,537,994 alleles (0.0011%); highest among the groups gnomAD compares: Admixed American, 0.0062%; no homozygotes.

Submissions (2):

Ambry Genetics
Classification: Uncertain significance for Inborn genetic diseases. Last evaluated: 2025-06-10. Review status: criteria provided, single submitter. Criteria: Ambry Variant Classification Scheme 2023. Collection method: clinical testing. Allele origin: germline.

GeneDx
Classification: Uncertain significance. Last evaluated: 2024-02-02. Review status: criteria provided, single submitter. Criteria: GeneDx Variant Classification Process June 2021. Collection method: clinical testing. Allele origin: germline. Affected: yes.
Comment: Not observed at significant frequency in large population cohorts (gnomAD); In silico analysis supports that this missense variant does not alter protein structure/function; Has not been previously published as pathogenic or benign to our knowledge